The following is an entry in ClinVar:

ClinVar aggregate classification (germline): Pathogenic. Review status: criteria provided, single submitter (1 of 4 stars). 3 submissions from 3 submitters: Pathogenic (1). 2 of the submissions do not count toward it. Last evaluated 2026-01-22.

Conditions:
X-linked GATA1-related disorders.
Thrombocytopenia, X-linked, with or without dyserythropoietic anemia (XLTDA). Identifiers: Orphanet 67044, MedGen C3550789, MONDO:0010308, OMIM 300367.
Thrombocytopenia, X-linked, with dyserythropoietic anemia. Identifiers: MedGen C4016507.

Submissions (3):

Variantyx, Inc.
Classification: Pathogenic for X-linked GATA1-related disorders. Last evaluated: 2026-01-22. Review status: criteria provided, single submitter. Criteria: Variantyx Assertion Criteria 2022. Collection method: clinical testing. Allele origin: maternal. Inheritance: X-linked recessive inheritance. Affected: yes.
Comment: This is a nonsynonymous variant in the GATA1 gene (OMIM: 305371). Pathogenic variants in this gene have been associated with X-linked GATA1-related disorders. This variant has been reported in at least 3 unrelated affected individuals (PMID: 10700180, 23704091, 29949202) (PS4_Moderate), and is absent from control populations (PM2). This variant lies within a well-established critical functional domain of the GATA1 protein (PMID: 24245781) (PM1), functional studies have shown that this alters GATA1 protein function (PMID: 10700180, 23704091) (PS3), and multiple computational algorithms predict a deleterious effect (REVEL score: 0.853) (PP3). Based on the current evidence, this variant is classified as pathogenic for X-linked GATA1-related disorders.

OMIM
Classification: Pathogenic for THROMBOCYTOPENIA, X-LINKED, WITH DYSERYTHROPOIETIC ANEMIA. Last evaluated: 2000-03-01. Review status: no assertion criteria provided. Collection method: literature only. Allele origin: germline. Not counted in ClinVar's aggregate classification.

GeneReviews
No classification provided. Condition: Thrombocytopenia, X-linked, with or without dyserythropoietic anemia. Review status: no classification provided. Collection method: literature only. Allele origin: germline. Not counted in ClinVar's aggregate classification.

Literature cited by the submitters: PubMed 24245781 (cited by Variantyx, Inc.); PubMed 10700180 (cited by Variantyx, Inc. and OMIM); PubMed 23704091 (cited by Variantyx, Inc.); PubMed 29949202 (cited by Variantyx, Inc.); NCBI Bookshelf NBK1364 (cited by GeneReviews); PubMed 20301538 (cited by GeneReviews).

NM_002049.4(GATA1):c.613G>A (p.Val205Met)

Gene: GATA1 (GATA binding protein 1; plus strand). Cytogenetic location: Xp11.23.
Variant type: single nucleotide variant.
Coding change: c.613G>A on transcript NM_002049.4 (MANE Select); coding-DNA position 613, G replaced by A.
Protein change: p.Val205Met; replaces valine 205 with methionine.
Molecular consequence: missense variant.
Genome position (GRCh38, 1-based): chrX:48,792,337, G>A. VCF-style: chrX-48792337-G-A. GRCh37 (hg19) VCF-style: chrX-48650744-G-A.
Other names: V205M.
Identifiers: ClinVar variation 10423 (VCV000010423.5), dbSNP rs104894815, ClinGen allele CA121062.